The following is an entry in ClinVar:

ClinVar aggregate classification (germline): Likely benign. Review status: criteria provided, multiple submitters, no conflicts (2 of 4 stars). 3 submissions from 3 submitters: Likely benign (2). 1 of the submissions does not count toward it. Last evaluated 2025-07-01.

Conditions:
TRAPPC2L-related disorder. Also called: TRAPPC2L-related condition.
Encephalopathy, progressive, early-onset, with episodic rhabdomyolysis. Identifiers: MedGen C5193033, MONDO:0032681, OMIM 618331.

Allele frequency attached by ClinVar (database versions not stated): 1000 Genomes Project 0.00100; 1000 Genomes Project 30x 0.00125; ExAC 0.00254; TOPMed 0.00257; gnomAD 0.00281; ESP Exome Variant Server 0.00323; gnomAD exomes 0.00405.
gnomAD v4.1: 6,254 of 1,613,644 alleles (0.39%); highest among the groups gnomAD compares: Non-Finnish European, 0.5%; 16 homozygotes.

Submissions (8):

CeGaT Center for Human Genetics Tuebingen
Classification: Likely benign. Last evaluated: 2025-07-01. Review status: criteria provided, single submitter. Criteria: CeGaT Center For Human Genetics Tuebingen Variant Classification Criteria Version 2. Collection method: clinical testing. Allele origin: germline. Affected: yes. Observed: 3 variant alleles.
Comment: TRAPPC2L: BS2

Victorian Clinical Genetics Services, Murdoch Childrens Research Institute
Classification: Likely benign for Encephalopathy, progressive, early-onset, with episodic rhabdomyolysis. Last evaluated: 2023-07-17. Review status: criteria provided, single submitter. Criteria: ACMG Guidelines, 2015. Collection method: clinical testing. Allele origin: germline. Inheritance: Autosomal recessive inheritance.
Comment: Based on the classification scheme VCGS_Germline_v1.3.4, this variant is classified as likely benign. Following criteria are met: 0308 - Population frequency for this variant is out of keeping with known incidence of encephalopathy, progressive, early-onset, with episodic rhabdomyolysis (MIM#618331). (SB) Legend: (SP) - Supporting pathogenic, (I) - Information, (SB) - Supporting benign

PreventionGenetics, part of Exact Sciences
Classification: Likely benign for TRAPPC2L-related condition. Last evaluated: 2020-10-12. Review status: no assertion criteria provided. Collection method: clinical testing. Allele origin: germline. Not counted in ClinVar's aggregate classification.
Comment: This variant is classified as likely benign based on ACMG/AMP sequence variant interpretation guidelines (Richards et al. 2015 PMID: 25741868, with internal and published modifications).

Dr. Peter K. Rogan Lab, Western University
No classification provided (evidence only). Condition: Thyroid cancer, nonmedullary, 1. Review status: no classification provided. Collection method: in vitro. Allele origin: not applicable. Functional consequence: retained intron. Not counted in ClinVar's aggregate classification.

Dr. Peter K. Rogan Lab, Western University
No classification provided (evidence only). Condition: Thyroid cancer, nonmedullary, 1. Review status: no classification provided. Collection method: in vitro. Allele origin: not applicable. Functional consequence: retained intron. Not counted in ClinVar's aggregate classification.

Dr. Peter K. Rogan Lab, Western University
No classification provided (evidence only). Condition: Sarcoma. Review status: no classification provided. Collection method: in vitro. Allele origin: not applicable. Functional consequence: retained intron. Not counted in ClinVar's aggregate classification.

Dr. Peter K. Rogan Lab, Western University
No classification provided (evidence only). Condition: Nonpapillary renal cell carcinoma. Review status: no classification provided. Collection method: in vitro. Allele origin: not applicable. Functional consequence: retained intron. Not counted in ClinVar's aggregate classification.

Dr. Peter K. Rogan Lab, Western University
No classification provided (evidence only). Condition: Adrenocortical carcinoma, hereditary. Review status: no classification provided. Collection method: in vitro. Allele origin: not applicable. Functional consequence: retained intron. Not counted in ClinVar's aggregate classification.

NM_001318525.2(TRAPPC2L):c.119A>G (p.Asp40Gly)

Gene: TRAPPC2L (trafficking protein particle complex subunit 2L; plus strand). Cytogenetic location: 16q24.3.
Variant type: single nucleotide variant.
Coding change: c.119A>G on transcript NM_001318525.2 (MANE Select); coding-DNA position 119, A replaced by G.
Protein change: p.Asp40Gly; replaces aspartic acid 40 with glycine.
Molecular consequence: missense variant. On other transcripts: initiator codon variant (1), 5 prime UTR variant (3), non-coding transcript variant (2).
Genome position (GRCh38, 1-based): chr16:88,858,704, A>G. VCF-style: chr16-88858704-A-G. GRCh37 (hg19) VCF-style: chr16-88925112-A-G.
Other names: NC_000016.9:g.88925112A>G; c.119A>G, p.Asp40Gly (NM_001318524.2, NM_016209.5); c.1A>G, p.Met1Val (NM_001318526.2); c.1A>G (NM_001318526.1); c.-291A>G (NM_001318527.2, NM_001318529.2, NM_001318532.2); c.29A>G, p.Asp10Gly (NM_001318528.2, NM_001318530.2); short protein forms D10G, D40G, M1V.
Identifiers: ClinVar variation 2647014 (VCV002647014.28), dbSNP rs114835271, ClinGen allele CA8235543.
Genomic context (GRCh38, chr16:88,858,704, plus strand): 5'-CCCCTACGGAGAACGAGCTGAAGTTCCACTACATGGTGCACACATCTCTGGACGTGGTGG[A>G]TGAGAAGATCTCCGCAATGGGGAAGGCCCTGGTCGACCAGAGGGAGCTGTACCTGGGCCT-3'
Protein context (NP_001305454.1, residues 30-50): YMVHTSLDVV[Asp40Gly]EKISAMGKAL